The following is an entry in ClinVar:

ClinVar aggregate classification (germline): Pathogenic (1 of 4 stars; one submission).

Conditions:
Marfan syndrome (MFS). Also called: MARFAN SYNDROME, TYPE I; Marfan syndrome type 1; Marfan's syndrome; Marfan syndrome, classic; FBN1-Related Marfan Syndrome. Identifiers: Orphanet 284963, Orphanet 558, MedGen C0024796, MONDO:0007947, OMIM 154700.
Familial thoracic aortic aneurysm and aortic dissection (TAAD). Also called: Thoracic aortic aneurysms and dissections. Identifiers: Orphanet 91387, MedGen C4707243, MONDO:0019625.

Submission:

Labcorp Genetics (formerly Invitae), Labcorp
Classification: Pathogenic for Marfan syndrome; Familial thoracic aortic aneurysm and aortic dissection. Last evaluated: 2021-07-31. Review status: criteria provided, single submitter. Criteria: Invitae Variant Classification Sherloc (09022015). Collection method: clinical testing. Allele origin: germline.
Comment: For these reasons, this variant has been classified as Pathogenic. This variant has not been reported in the literature in individuals with FBN1-related conditions. This variant is not present in population databases (ExAC no frequency). This sequence change creates a premature translational stop signal (p.Lys285Asnfs*45) in the FBN1 gene. It is expected to result in an absent or disrupted protein product. Loss-of-function variants in FBN1 are known to be pathogenic (PMID: 17657824, 19293843).

Literature cited by the submitters: PubMed 17657824; PubMed 19293843.

NM_000138.5(FBN1):c.855del (p.Lys285fs)

Gene: FBN1 (fibrillin 1; minus strand). Cytogenetic location: 15q21.1.
Variant type: Deletion.
Coding change: c.855del on transcript NM_000138.5 (MANE Select); coding-DNA position 855, one base deleted (A; older notation c.855delA).
Protein change: p.Lys285fs; shifts the reading frame from lysine 285.
Molecular consequence: frameshift variant.
Genome position (GRCh38, 1-based): chr15:48,534,087, T deleted on the plus strand (A on the coding strand, the reverse complement: FBN1 is on the minus strand); the first of 5 consecutive T bases (chr15:48,534,087-48,534,091); deleting any one gives the same sequence. VCF-style (leftmost placement, unchanged base first): chr15-48534086-AT-A. GRCh37 (hg19) VCF-style: chr15-48826283-AT-A.
Other names: short protein forms K285fs.
Identifiers: ClinVar variation 1432069 (VCV001432069.6), dbSNP rs2141353573, ClinGen allele CA2573150820.